The following is an entry in ClinVar:

NM_000069.3(CACNA1S):c.764C>A (p.Thr255Asn)

Gene: CACNA1S (calcium voltage-gated channel subunit alpha1 S; minus strand). Cytogenetic location: 1q32.1.
Variant type: single nucleotide variant.
Coding change: c.764C>A on transcript NM_000069.3 (MANE Select); coding-DNA position 764, C replaced by A.
Protein change: p.Thr255Asn; replaces threonine 255 with asparagine.
Molecular consequence: missense variant.
Genome position (GRCh38, 1-based): chr1:201,089,394, G>T on the plus strand (C>A on the coding strand, the complement: CACNA1S is on the minus strand). VCF-style: chr1-201089394-G-T. GRCh37 (hg19) VCF-style: chr1-201058522-G-T.
Other names: short protein forms T255N.
Identifiers: ClinVar variation 3073869 (VCV003073869.1), dbSNP rs763637720, ClinGen allele CA083994.
Genomic context (GRCh38, chr1:201,089,394, plus strand): 5'-AAGTGGGTGATGCCATGGTTGGGCCCTGGCCAGCCGCCCCGGCACTCACTGCCATTGATG[G>T]TGCACCGGCGCCCTGAGCCCGTCCTGGCGCAGGGCGATGGCTCTTCATTCTCCACCGTGG-3'
Protein context (NP_000060.2, residues 245-265): CARTGSGRRC[Thr255Asn]INGSECRGGW

ClinVar aggregate classification (germline): Uncertain significance (1 of 4 stars; one submission).

Conditions:
Malignant hyperthermia, susceptibility to, 5 (MHS5). Also called: CACNA1S-Related Malignant Hyperthermia Susceptibility. Identifiers: Orphanet 423, MedGen C1866077, MONDO:0011163, OMIM 601887.

Allele frequency attached by ClinVar (database versions not stated): ExAC 0.00001.
gnomAD v4.1: 1 of 1,614,232 alleles (0.000062%); highest among the groups gnomAD compares: Non-Finnish European, 0.000085%; no homozygotes.

Submission:

All of Us Research Program, National Institutes of Health
Classification: Uncertain significance for Malignant hyperthermia, susceptibility to, 5. Last evaluated: 2023-11-30. Review status: criteria provided, single submitter. Criteria: ACMG Guidelines, 2015. Collection method: clinical testing. Allele origin: germline. Inheritance: Autosomal dominant inheritance. Observed: 1 variant allele, 1 heterozygote.
Comment: This study involves interpretation of variants in research participants for the purpose of population health screening. Participant phenotype was not available at the time of variant classification. Additional details can be found in publication PMID: 35346344, PMCID: PMC8962531